The following is an entry in ClinVar:

NM_021008.4(DEAF1):c.908G>T (p.Arg303Leu)

Gene: DEAF1 (DEAF1 transcription factor; minus strand). Cytogenetic location: 11p15.5.
Variant type: single nucleotide variant.
Coding change: c.908G>T on transcript NM_021008.4 (MANE Select); coding-DNA position 908, G replaced by T.
Protein change: p.Arg303Leu; replaces arginine 303 with leucine.
Molecular consequence: missense variant. On other transcripts: intron variant (1).
Genome position (GRCh38, 1-based): chr11:681,052, C>A on the plus strand (G>T on the coding strand, the complement: DEAF1 is on the minus strand). VCF-style: chr11-681052-C-A. GRCh37 (hg19) VCF-style: chr11-681052-C-A.
Other names: c.182G>T, p.Arg61Leu (NM_001367390.1, NM_001440885.1, NM_001440886.1 and 1 more transcripts); c.908G>T, p.Arg303Leu (NM_001440883.1, NM_001440884.1); c.731-1236G>T (NM_001293634.2); short protein forms R303L, R61L.
Identifiers: ClinVar variation 1313886 (VCV001313886.5), dbSNP rs1860341016, ClinGen allele CA378928473.

ClinVar aggregate classification (germline): Uncertain significance. Review status: criteria provided, multiple submitters, no conflicts (2 of 4 stars). 2 submissions from 2 submitters: Uncertain significance (2). Last evaluated 2023-09-20.

gnomAD v4.1: 1 of 1,614,060 alleles (0.000062%); highest among the groups gnomAD compares: Admixed American, 0.0017%; no homozygotes.

Submissions (2):

Labcorp Genetics (formerly Invitae), Labcorp
Classification: Uncertain significance. Last evaluated: 2023-09-20. Review status: criteria provided, single submitter. Criteria: Invitae Variant Classification Sherloc (09022015). Collection method: clinical testing. Allele origin: germline.
Comment: This sequence change replaces arginine, which is basic and polar, with leucine, which is neutral and non-polar, at codon 303 of the DEAF1 protein (p.Arg303Leu). This variant is not present in population databases (gnomAD no frequency). This variant has not been reported in the literature in individuals affected with DEAF1-related conditions. ClinVar contains an entry for this variant (Variation ID: 1313886). Advanced modeling of protein sequence and biophysical properties (such as structural, functional, and spatial information, amino acid conservation, physicochemical variation, residue mobility, and thermodynamic stability) performed at Invitae indicates that this missense variant is expected to disrupt DEAF1 protein function. In summary, the available evidence is currently insufficient to determine the role of this variant in disease. Therefore, it has been classified as a Variant of Uncertain Significance.

GeneDx
Classification: Uncertain significance. Last evaluated: 2021-01-07. Review status: criteria provided, single submitter. Criteria: GeneDx Variant Classification Process June 2021. Collection method: clinical testing. Allele origin: germline. Affected: yes.
Comment: Not observed in large population cohorts (Lek et al., 2016); In silico analysis supports that this missense variant has a deleterious effect on protein structure/function; Has not been previously published as pathogenic or benign to our knowledge